The following is an entry in ClinVar:

ClinVar aggregate classification (germline): Uncertain significance. Review status: criteria provided, multiple submitters, no conflicts (2 of 4 stars). 3 submissions from 3 submitters: Uncertain significance (3). Last evaluated 2025-05-21.

Conditions:
Kabuki syndrome. Also called: NIIKAWA-KUROKI SYNDROME; Kabuki make-up syndrome. Identifiers: Orphanet 2322, MedGen C0796004, MONDO:0016512.
Choanal atresia-athelia-hypothyroidism-delayed puberty-short stature syndrome (BCAHH). Also called: BRANCHIAL ARCH ABNORMALITIES, CHOANAL ATRESIA, ATHELIA, HEARING LOSS, AND HYPOTHYROIDISM SYNDROME. Identifiers: Orphanet 589856, MedGen C5680310, MONDO:0035651, OMIM 620186.
Kabuki syndrome 1 (KABUK1). Also called: KMT2D-Related Kabuki Syndrome. Identifiers: Orphanet 2322, MedGen CN030661, MONDO:0007843, OMIM 147920.

Submissions (3):

Dasa
Classification: Uncertain significance. Last evaluated: 2025-05-21. Review status: criteria provided, single submitter. Criteria: DASA Assertion Criteria. Collection method: clinical testing. Allele origin: germline.
Comment: NM_003482.4(KMT2D):c.2004_2030del (p.Leu671_Pro679del) is an in-frame deletion predicted to remove amino acids from leucine at protein position 671 through proline at protein position 679 without shifting the reading frame. This variant is rare in population databases. The currently available literature and clinical evidence are not sufficient to establish a definitive association between this variant and the reported condition. Therefore, this variant is classified as a variant of uncertain significance.

Labcorp Genetics (formerly Invitae), Labcorp
Classification: Uncertain significance for Kabuki syndrome. Last evaluated: 2025-03-23. Review status: criteria provided, single submitter. Criteria: Invitae Variant Classification Sherloc (09022015). Collection method: clinical testing. Allele origin: germline.
Comment: This variant, c.2004_2030del, results in the deletion of 9 amino acid(s) of the KMT2D protein (p.Leu671_Pro679del), but otherwise preserves the integrity of the reading frame. This variant is not present in population databases (gnomAD no frequency). This variant has not been reported in the literature in individuals affected with KMT2D-related conditions. ClinVar contains an entry for this variant (Variation ID: 2149767). Experimental studies and prediction algorithms are not available or were not evaluated, and the functional significance of this variant is currently unknown. In summary, the available evidence is currently insufficient to determine the role of this variant in disease. Therefore, it has been classified as a Variant of Uncertain Significance.

Fulgent Genetics
Classification: Uncertain significance for Kabuki syndrome 1; Choanal atresia-athelia-hypothyroidism-delayed puberty-short stature syndrome. Last evaluated: 2024-04-29. Review status: criteria provided, single submitter. Criteria: ACMG Guidelines, 2015. Collection method: clinical testing. Allele origin: germline.

NM_003482.4(KMT2D):c.2004_2030del (p.662LSPPPEESP[1])

Gene: KMT2D (lysine methyltransferase 2D; minus strand). Cytogenetic location: 12q13.12.
Variant type: Deletion.
Coding change: c.2004_2030del on transcript NM_003482.4 (MANE Select); coding-DNA positions 2004 to 2030, 27 bases deleted (ATCTCCCTTGTCCCCACCGCCTGAGGA).
Protein change: p.662LSPPPEESP[1].
Molecular consequence: inframe deletion.
Genome position (GRCh38, 1-based): chr12:49,051,653-49,051,679, TCCTCAGGCGGTGGGGACAAGGGAGAT deleted on the plus strand (ATCTCCCTTGTCCCCACCGCCTGAGGA on the coding strand, the reverse complement: KMT2D is on the minus strand); deleting any 27 consecutive bases within chr12:49,051,653-49,051,693 gives the same sequence; the c. name uses the placement nearest the transcript's 3' end. VCF-style (leftmost placement, unchanged base first): chr12-49051652-CTCCTCAGGCGGTGGGGACAAGGGAGAT-C. GRCh37 (hg19) VCF-style: chr12-49445435-CTCCTCAGGCGGTGGGGACAAGGGAGAT-C.
Identifiers: ClinVar variation 2149767 (VCV002149767.7), dbSNP rs1938037798, ClinGen allele CA947431108.